The following is an entry in ClinVar:

ClinVar aggregate classification (germline): Uncertain significance (1 of 4 stars; one submission).

Conditions:
Inborn genetic diseases. Identifiers: MedGen C0950123, MeSH D030342.

gnomAD v4.1: 1 of 1,614,002 alleles (0.000062%); highest among the groups gnomAD compares: African/African-American, 0.0013%; no homozygotes.

Submission:

Ambry Genetics
Classification: Uncertain significance for Inborn genetic diseases. Last evaluated: 2025-10-27. Review status: criteria provided, single submitter. Criteria: Ambry Variant Classification Scheme 2023. Collection method: clinical testing. Allele origin: germline.
Comment: The p.P741S variant (also known as c.2221C>T), located in coding exon 8 of the MECOM gene, results from a C to T substitution at nucleotide position 2221. The proline at codon 741 is replaced by serine, an amino acid with similar properties. This amino acid position is conserved. In addition, the in silico prediction for this alteration is inconclusive. Based on the available evidence, the clinical significance of this variant remains unclear.

NM_004991.4(MECOM):c.2221C>T (p.Pro741Ser)

Gene: MECOM (MDS1 and EVI1 complex locus; minus strand). Cytogenetic location: 3q26.2.
Variant type: single nucleotide variant.
Coding change: c.2221C>T on transcript NM_004991.4 (MANE Select); coding-DNA position 2221, C replaced by T.
Protein change: p.Pro741Ser; replaces proline 741 with serine.
Molecular consequence: missense variant.
Genome position (GRCh38, 1-based): chr3:169,115,651, G>A on the plus strand (C>T on the coding strand, the complement: MECOM is on the minus strand). VCF-style: chr3-169115651-G-A. GRCh37 (hg19) VCF-style: chr3-168833439-G-A.
Other names: c.1852C>T, p.Pro618Ser (NM_001105077.4); c.1657C>T, p.Pro553Ser (NM_001105078.4, NM_001164000.2, NM_001205194.2 and 4 more transcripts); c.1660C>T, p.Pro554Ser (NM_001163999.2, NM_001366467.2, NM_001366468.2 and 1 more transcripts); c.2221C>T, p.Pro741Ser (NM_001366466.2); c.1249C>T, p.Pro417Ser (NM_001366473.2); c.685C>T, p.Pro229Ser (NM_001366474.2); short protein forms P554S, P417S, P741S, P229S, P553S, P618S.
Identifiers: ClinVar variation 4624671 (VCV004624671.1).